The following is an entry in ClinVar:

ClinVar aggregate classification (germline): Uncertain significance (1 of 4 stars; one submission).

Conditions:
Familial hemophagocytic lymphohistiocytosis 3 (FHL3). Also called: UNC13D-Related Familial Hemophagocytic Lymphohistiocytosis (UNC13D-fHLH). Identifiers: Orphanet 540, MedGen C1837174, MONDO:0012146, OMIM 608898.

gnomAD v4.1: 1 of 1,613,486 alleles (0.000062%); highest among the groups gnomAD compares: African/African-American, 0.0013%; no homozygotes.

Submission:

Labcorp Genetics (formerly Invitae), Labcorp
Classification: Uncertain significance for Familial hemophagocytic lymphohistiocytosis 3. Last evaluated: 2022-08-15. Review status: criteria provided, single submitter. Criteria: Invitae Variant Classification Sherloc (09022015). Collection method: clinical testing. Allele origin: germline.
Comment: This sequence change replaces threonine, which is neutral and polar, with proline, which is neutral and non-polar, at codon 299 of the UNC13D protein (p.Thr299Pro). This variant is not present in population databases (gnomAD no frequency). This variant has not been reported in the literature in individuals affected with UNC13D-related conditions. ClinVar contains an entry for this variant (Variation ID: 1487665). Algorithms developed to predict the effect of missense changes on protein structure and function are either unavailable or do not agree on the potential impact of this missense change (SIFT: "Not Available"; PolyPhen-2: "Benign"; Align-GVGD: "Not Available"). In summary, the available evidence is currently insufficient to determine the role of this variant in disease. Therefore, it has been classified as a Variant of Uncertain Significance.

NM_199242.3(UNC13D):c.895A>C (p.Thr299Pro)

Gene: UNC13D (unc-13 homolog D; minus strand). Cytogenetic location: 17q25.1.
Variant type: single nucleotide variant.
Coding change: c.895A>C on transcript NM_199242.3 (MANE Select); coding-DNA position 895, A replaced by C.
Protein change: p.Thr299Pro; replaces threonine 299 with proline.
Molecular consequence: missense variant.
Genome position (GRCh38, 1-based): chr17:75,840,074, T>G on the plus strand (A>C on the coding strand, the complement: UNC13D is on the minus strand). VCF-style: chr17-75840074-T-G. GRCh37 (hg19) VCF-style: chr17-73836155-T-G.
Other names: short protein forms T299P.
Identifiers: ClinVar variation 1487665 (VCV001487665.5), dbSNP rs2143891988, ClinGen allele CA401107778.